The following is an entry in ClinVar:

NM_000260.4(MYO7A):c.3937G>A (p.Gly1313Ser)

Gene: MYO7A (myosin VIIA; plus strand). Cytogenetic location: 11q13.5.
Variant type: single nucleotide variant.
Coding change: c.3937G>A on transcript NM_000260.4 (MANE Select); coding-DNA position 3937, G replaced by A.
Protein change: p.Gly1313Ser; replaces glycine 1313 with serine.
Molecular consequence: missense variant.
Genome position (GRCh38, 1-based): chr11:77,192,063, G>A. VCF-style: chr11-77192063-G-A. GRCh37 (hg19) VCF-style: chr11-76903108-G-A.
Other names: c.3937G>A, p.Gly1313Ser (NM_001127180.2); c.3904G>A, p.Gly1302Ser (NM_001369365.1); short protein forms G1302S, G1313S.
Identifiers: ClinVar variation 3363395 (VCV003363395.1).

ClinVar aggregate classification (germline): Uncertain significance (1 of 4 stars; one submission).

gnomAD v4.1: 2 of 1,613,132 alleles (0.00012%); highest among the groups gnomAD compares: Non-Finnish European, 0.00017%; no homozygotes.

Submission:

GeneDx
Classification: Uncertain significance. Last evaluated: 2023-10-20. Review status: criteria provided, single submitter. Criteria: GeneDx Variant Classification Process June 2021. Collection method: clinical testing. Allele origin: germline. Affected: yes.
Comment: Not observed at significant frequency in large population cohorts (gnomAD); In silico analysis supports that this missense variant has a deleterious effect on protein structure/function; Has not been previously published as pathogenic or benign to our knowledge